The following is an entry in ClinVar:

ClinVar aggregate classification (germline): Benign. Review status: reviewed by expert panel (3 of 4 stars). 7 submissions from 7 submitters: Benign (1). 6 of the submissions do not count toward it. Last evaluated 2019-06-18.

Conditions:
Hereditary breast ovarian cancer syndrome. Also called: Hereditary breast and ovarian cancer syndrome; Hereditary breast and ovarian cancer syndrome (HBOC); BRCA1- and BRCA2-Associated Hereditary Breast and Ovarian Cancer; Breast and ovarian cancer; Hereditary breast and ovarian cancer; Hereditary breast and/or ovarian cancer syndrome. Identifiers: Orphanet 145, MedGen C0677776, MeSH D061325, MONDO:0003582. Disease mechanism: loss of function.
Hereditary cancer-predisposing syndrome. Also called: Hereditary Cancer Syndrome; Hereditary neoplastic syndrome; Tumor predisposition; Neoplastic Syndromes, Hereditary. Identifiers: Orphanet 140162, MedGen C0027672, MeSH D009386, MONDO:0015356.
Breast-ovarian cancer, familial, susceptibility to, 1 (BROVCA1). Also called: OVARIAN CANCER, SUSCEPTIBILITY TO; BRCA1 Hereditary Breast and Ovarian Cancer. Identifiers: Orphanet 145, MedGen C2676676, MONDO:0011450, OMIM 604370. Disease mechanism: loss of function.

Allele frequency attached by ClinVar (database versions not stated): gnomAD exomes below 0.00001; gnomAD 0.00001; TOPMed 0.00002.
gnomAD v4.1: 4 of 1,613,956 alleles (0.00025%); highest among the groups gnomAD compares: Non-Finnish European, 0.00034%; no homozygotes.

Submissions (7):

Evidence-based Network for the Interpretation of Germline Mutant Alleles (ENIGMA)
Classification: Benign for Breast-ovarian cancer, familial, susceptibility to, 1. Last evaluated: 2019-06-18. Review status: reviewed by expert panel. Criteria: ENIGMA BRCA1/2 Classification Criteria (2017-06-29). Collection method: curation. Allele origin: germline.
Comment: IARC class based on posterior probability from multifactorial likelihood analysis, thresholds for class as per Plon et al. 2008 (PMID: 18951446). Class 1 based on posterior probability = 0.000013

Labcorp Genetics (formerly Invitae), Labcorp
Classification: Likely benign for Hereditary breast ovarian cancer syndrome. Last evaluated: 2025-10-18. Review status: criteria provided, single submitter. Criteria: Invitae Variant Classification Sherloc (09022015). Collection method: clinical testing. Allele origin: germline. Not counted in ClinVar's aggregate classification.

GeneDx
Classification: Uncertain significance. Last evaluated: 2025-02-25. Review status: criteria provided, single submitter. Criteria: GeneDx Variant Classification Process June 2021. Collection method: clinical testing. Allele origin: germline. Not counted in ClinVar's aggregate classification.
Comment: Published functional studies demonstrate no damaging effect: functionally neutral in three homologous recombination repair complementation assays (PMID: 32546644); Observed in an individual with breast and/or ovarian cancer (PMID: 32438681); In silico analysis supports that this missense variant has a deleterious effect on protein structure/function; Not observed at significant frequency in large population cohorts (gnomAD); Also known as 1116A>G; This variant is associated with the following publications: (PMID: 18680205, 32438681, 20215511, 11521194, 9582019, 9926942, 15343273, 31131967, 32546644)

Color Diagnostics, LLC DBA Color Health
Classification: Likely benign for Hereditary cancer-predisposing syndrome. Last evaluated: 2023-04-10. Review status: criteria provided, single submitter. Criteria: ACMG Guidelines, 2015. Collection method: clinical testing. Allele origin: germline. Not counted in ClinVar's aggregate classification.

Ambry Genetics
Classification: Likely benign for Hereditary cancer-predisposing syndrome. Last evaluated: 2023-02-17. Review status: criteria provided, single submitter. Criteria: Ambry Variant Classification Scheme 2023. Collection method: clinical testing. Allele origin: germline. Not counted in ClinVar's aggregate classification.

Quest Diagnostics Nichols Institute San Juan Capistrano
Classification: Uncertain significance. Last evaluated: 2018-10-30. Review status: criteria provided, single submitter. Criteria: Quest Diagnostics criteria. Collection method: clinical testing. Allele origin: germline. Not counted in ClinVar's aggregate classification.

Illumina Laboratory Services, Illumina
Classification: Uncertain significance for Breast-ovarian cancer, familial, susceptibility to, 1. Last evaluated: 2018-01-12. Review status: criteria provided, single submitter. Criteria: ICSL Variant Classification Criteria 13 December 2019. Collection method: clinical testing. Allele origin: germline. Not counted in ClinVar's aggregate classification.

Literature cited by the submitters: PubMed 31131967 (cited by Evidence-based Network for the Interpretation of Germline Mutant Alleles (ENIGMA) and Ambry Genetics); PubMed 32438681 (cited by Ambry Genetics); PubMed 32546644 (cited by Ambry Genetics); PubMed 18680205 (cited by Quest Diagnostics Nichols Institute San Juan Capistrano).

NM_007294.4(BRCA1):c.997A>G (p.Thr333Ala)

Gene: BRCA1 (BRCA1 DNA repair associated; minus strand). Cytogenetic location: 17q21.31.
Variant type: single nucleotide variant.
Coding change: c.997A>G on transcript NM_007294.4 (MANE Select); coding-DNA position 997, A replaced by G.
Protein change: p.Thr333Ala; replaces threonine 333 with alanine.
Molecular consequence: missense variant. On other transcripts: intron variant (137).
Genome position (GRCh38, 1-based): chr17:43,094,534, T>C on the plus strand (A>G on the coding strand, the complement: BRCA1 is on the minus strand). VCF-style: chr17-43094534-T-C. GRCh37 (hg19) VCF-style: chr17-41246551-T-C.
Other names: c.784A>G, p.Thr262Ala (NM_001407571.1, NM_001407853.1, NM_001407894.1 and 9 more transcripts); c.997A>G, p.Thr333Ala (NM_001407581.1, NM_001407582.1, NM_001407583.1 and 30 more transcripts); c.994A>G, p.Thr332Ala (NM_001407587.1, NM_001407590.1, NM_001407591.1 and 22 more transcripts); c.988A>G, p.Thr330Ala (NM_001407646.1, NM_001407647.1); c.874A>G, p.Thr292Ala (NM_001407648.1, NM_001407666.1, NM_001407667.1 and 19 more transcripts); c.871A>G, p.Thr291Ala (NM_001407649.1, NM_001407670.1, NM_001407671.1 and 11 more transcripts); c.919A>G, p.Thr307Ala (NM_001407653.1, NM_001407654.1, NM_001407655.1 and 4 more transcripts); c.856A>G, p.Thr286Ala (NM_001407692.1, NM_001407694.1, NM_001407730.1 and 29 more transcripts); and 40 more; short protein forms T333A, T286A, T206A, T222A, T244A, T245A, T266A, T292A.
Identifiers: ClinVar variation 184709 (VCV000184709.33), dbSNP rs786201634, ClinGen allele CA004007.
Genomic context (GRCh38, chr17:43,094,534, plus strand): 5'-ATTCTTTTCTCTCACACAGGGGATCAGCATTCAGATCTACCTTTTTTTCTGTGCTGGGAG[T>C]CCGCCTATCATTACATGTTTCCTTACTTCCAGCCCATCTGTTATGTTGGCTCCTTGCTAA-3'
Protein context (NP_009225.1, residues 323-343): GSKETCNDRR[Thr333Ala]PSTEKKVDLN